The following is an entry in ClinVar:

ClinVar aggregate classification (germline): Likely pathogenic. Review status: criteria provided, multiple submitters, no conflicts (2 of 4 stars). 2 submissions from 2 submitters: Likely pathogenic (2). Last evaluated 2025-06-10.

Conditions:
Intellectual developmental disorder, autosomal dominant 56. Also called: MENTAL RETARDATION, AUTOSOMAL DOMINANT 56; Intellectual disability, autosomal dominant 56. Identifiers: MedGen C4693389, MONDO:0030922, OMIM 617854.

Submissions (2):

GeneDx
Classification: Likely pathogenic. Last evaluated: 2025-06-10. Review status: criteria provided, single submitter. Criteria: GeneDx Variant Classification Process June 2021. Collection method: clinical testing. Allele origin: germline.
Comment: Nonsense variant predicted to result in protein truncation or nonsense mediated decay in a gene for which loss of function is a known mechanism of disease; Not observed at significant frequency in large population cohorts (gnomAD); Has not been previously published as pathogenic or benign to our knowledge

Laboratorio de Genetica e Diagnostico Molecular, Hospital Israelita Albert Einstein
Classification: Likely pathogenic for Intellectual developmental disorder, autosomal dominant 56. Last evaluated: 2022-12-01. Review status: criteria provided, single submitter. Criteria: ACMG Guidelines, 2015. Collection method: clinical testing. Allele origin: germline. Affected: yes. Observed: 1 variant allele.
Comment: ACMG classification criteria: PVS1 very strong, PM2 moderated

NM_004859.4(CLTC):c.3493C>T (p.Arg1165Ter)

Gene: CLTC (clathrin heavy chain; plus strand). Cytogenetic location: 17q23.1.
Variant type: single nucleotide variant.
Coding change: c.3493C>T on transcript NM_004859.4 (MANE Select); coding-DNA position 3493, C replaced by T.
Protein change: p.Arg1165Ter; replaces arginine 1165 with a stop codon.
Molecular consequence: nonsense.
Genome position (GRCh38, 1-based): chr17:59,682,321, C>T. VCF-style: chr17-59682321-C-T. GRCh37 (hg19) VCF-style: chr17-57759682-C-T.
Other names: c.3505C>T, p.Arg1169Ter (NM_001288653.2); c.3505C>T (NM_001288653.1); short protein forms R1165*, R1169*.
Identifiers: ClinVar variation 2431512 (VCV002431512.3), dbSNP rs2509152675, ClinGen allele CA400417940.